The following is an entry in ClinVar:

ClinVar aggregate classification (germline): Uncertain significance (1 of 4 stars; one submission).

Conditions:
Cardiomyopathy (CMYO). Also called: Cardiomyopathies. Identifiers: Orphanet 167848, MedGen C0878544, MONDO:0004994, HP:0001638. Inheritance: Various modes of inheritance.

gnomAD v4.1: 1 of 1,613,718 alleles (0.000062%); highest among the groups gnomAD compares: Non-Finnish European, 0.000085%; no homozygotes.

Submission:

Color Diagnostics, LLC DBA Color Health
Classification: Uncertain significance for Cardiomyopathy. Last evaluated: 2019-12-17. Review status: criteria provided, single submitter. Criteria: ACMG Guidelines, 2015. Collection method: clinical testing. Allele origin: germline.
Comment: This variant causes a G>A nucleotide substitution at the +1 position of intron 14 of the DSC2 gene. Splice site prediction tools predict that this variant may have a significant impact on RNA splicing. To our knowledge, functional studies have not been performed for this variant. This variant has not been reported in individuals affected with cardiovascular disorders in the literature. This variant has not been identified in the general population by the Genome Aggregation Database (gnomAD). Clinical significance of loss-of-function truncation and splice variants in the DSC2 gene is not clearly established. The available evidence is insufficient to determine the role of this variant in disease conclusively. Therefore, this variant is classified as a Variant of Uncertain Significance.

NM_024422.6(DSC2):c.2250+1G>A

Gene: DSC2 (desmocollin 2; minus strand). Cytogenetic location: 18q12.1.
Variant type: single nucleotide variant.
Coding change: c.2250+1G>A on transcript NM_024422.6 (MANE Select); the canonical splice donor site of the intron after coding-DNA position 2250, G replaced by A.
Molecular consequence: splice donor variant.
Genome position (GRCh38, 1-based): chr18:31,070,725, C>T on the plus strand (G>A on the coding strand, the complement: DSC2 is on the minus strand). VCF-style: chr18-31070725-C-T. GRCh37 (hg19) VCF-style: chr18-28650691-C-T.
Other names: c.2250+1G>A (NM_004949.5); c.1821+1G>A (NM_001406506.1, NM_001406507.1).
Identifiers: ClinVar variation 920184 (VCV000920184.3), dbSNP rs1986794200, ClinGen allele CA402112264.